The following is an entry in ClinVar:

ClinVar aggregate classification (germline): Uncertain significance (1 of 4 stars; one submission).

gnomAD v4.1: 3 of 1,607,978 alleles (0.00019%); highest among the groups gnomAD compares: African/African-American, 0.004%; no homozygotes.

Submission:

Women's Health and Genetics/Laboratory Corporation of America, LabCorp
Classification: Uncertain significance. Last evaluated: 2025-01-13. Review status: criteria provided, single submitter. Criteria: LabCorp Variant Classification Summary - May 2015. Collection method: clinical testing. Allele origin: germline.
Comment: Variant summary: PIK3C2A c.2902G>A (p.Asp968Asn) results in a conservative amino acid change located in the PIK domain of the encoded protein sequence. Three of five in-silico tools predict a benign effect of the variant on protein function. The variant was absent in 249936 control chromosomes. The available data on variant occurrences in the general population are insufficient to allow any conclusion about variant significance. To our knowledge, no occurrence of c.2902G>A in individuals affected with Oculocerebrodental Syndrome and no experimental evidence demonstrating its impact on protein function have been reported. No submitters have cited clinical-significance assessments for this variant to ClinVar. Based on the evidence outlined above, the variant was classified as uncertain significance.

NM_002645.4(PIK3C2A):c.2902G>A (p.Asp968Asn)

Gene: PIK3C2A (phosphatidylinositol-4-phosphate 3-kinase catalytic subunit type 2 alpha; minus strand). Cytogenetic location: 11p15.1.
Variant type: single nucleotide variant.
Coding change: c.2902G>A on transcript NM_002645.4 (MANE Select); coding-DNA position 2902, G replaced by A.
Protein change: p.Asp968Asn; replaces aspartic acid 968 with asparagine.
Molecular consequence: missense variant.
Genome position (GRCh38, 1-based): chr11:17,119,258, C>T on the plus strand (G>A on the coding strand, the complement: PIK3C2A is on the minus strand). VCF-style: chr11-17119258-C-T. GRCh37 (hg19) VCF-style: chr11-17140805-C-T.
Other names: c.2902G>A, p.Asp968Asn (NM_001321378.2); c.1762G>A, p.Asp588Asn (NM_001321380.2); c.2734G>A, p.Asp912Asn (NM_001386870.1); short protein forms D588N, D912N, D968N.
Identifiers: ClinVar variation 3769163 (VCV003769163.2).